The following is an entry in ClinVar:

NM_001130021.3(ATP6V0A1):c.1252C>T (p.Leu418Phe)

Gene: ATP6V0A1 (ATPase H+ transporting V0 subunit a1; plus strand). Cytogenetic location: 17q21.2.
Variant type: single nucleotide variant.
Coding change: c.1252C>T on transcript NM_001130021.3 (MANE Select); coding-DNA position 1252, C replaced by T.
Protein change: p.Leu418Phe; replaces leucine 418 with phenylalanine.
Molecular consequence: missense variant.
Genome position (GRCh38, 1-based): chr17:42,494,411, C>T. VCF-style: chr17-42494411-C-T. GRCh37 (hg19) VCF-style: chr17-40646429-C-T.
Other names: c.1252C>T, p.Leu418Phe (NM_001378542.1, NM_001378544.1, NM_001378548.1 and 4 more transcripts); c.1093C>T, p.Leu365Phe (NM_001378543.1); c.1042C>T, p.Leu348Phe (NM_001378545.1, NM_001378554.1); c.1039C>T, p.Leu347Phe (NM_001378546.1, NM_001378547.1); c.1072C>T, p.Leu358Phe (NM_001378549.1); c.1144C>T, p.Leu382Phe (NM_001378550.1, NM_001378536.1, NM_001378556.1); c.1273C>T, p.Leu425Phe (NM_001378541.1, NM_001130020.3, NM_001378522.1 and 3 more transcripts); c.1375C>T, p.Leu459Phe (NM_001378530.1, NM_001378533.1, NM_001378551.1 and 1 more transcripts); and 2 more; short protein forms L358F, L382F, L459F, L365F, L425F, L348F, L375F, L418F.
Identifiers: ClinVar variation 4795584 (VCV004795584.1).

ClinVar aggregate classification (germline): Uncertain significance (1 of 4 stars; one submission).

gnomAD v4.1: 124 of 1,613,400 alleles (0.0077%); highest among the groups gnomAD compares: Non-Finnish European, 0.0013%; no homozygotes.

Submission:

GeneDx
Classification: Uncertain significance. Last evaluated: 2025-08-11. Review status: criteria provided, single submitter. Criteria: GeneDx Variant Classification Process June 2021. Collection method: clinical testing. Allele origin: germline. Affected: yes.
Comment: In silico analysis supports that this missense variant has a deleterious effect on protein structure/function; Has not been previously published as pathogenic or benign to our knowledge